The following is an entry in ClinVar:

NM_000052.7(ATP7A):c.945G>T (p.Arg315Ser)

Gene: ATP7A (ATPase copper transporting alpha; plus strand). Cytogenetic location: Xq21.1.
Variant type: single nucleotide variant.
Coding change: c.945G>T on transcript NM_000052.7 (MANE Select); coding-DNA position 945, G replaced by T.
Protein change: p.Arg315Ser; replaces arginine 315 with serine.
Molecular consequence: missense variant.
Genome position (GRCh38, 1-based): chrX:77,989,567, G>T. VCF-style: chrX-77989567-G-T. GRCh37 (hg19) VCF-style: chrX-77245063-G-T.
Other names: c.945G>T, p.Arg315Ser (NM_001282224.2); short protein forms R315S.
Identifiers: ClinVar variation 1406218 (VCV001406218.8), dbSNP rs2149083198, ClinGen allele CA413601478.

ClinVar aggregate classification (germline): Uncertain significance (1 of 4 stars; one submission).

Conditions:
Cutis laxa, X-linked (OHS). Also called: EDS IX; Occipital horn syndrome. Identifiers: Orphanet 198, MedGen C0268353, MONDO:0010572, OMIM 304150.
X-linked distal spinal muscular atrophy type 3. Also called: ATP7A-Related Distal Motor Neuropathy; SPINAL MUSCULAR ATROPHY, DISTAL, X-LINKED RECESSIVE; NEUROPATHY, DISTAL HEREDITARY MOTOR, X-LINKED; NEURONOPATHY, DISTAL HEREDITARY MOTOR, X-LINKED. Identifiers: Orphanet 139557, MedGen C1845359, MONDO:0010338, OMIM 300489.
Menkes kinky-hair syndrome (MNK). Also called: Classic Menkes Disease; Copper transport disease; Menkes Disease. Identifiers: Orphanet 565, MedGen C0022716, MONDO:0010651, OMIM 309400.

Submission:

Labcorp Genetics (formerly Invitae), Labcorp
Classification: Uncertain significance for X-linked distal spinal muscular atrophy type 3; Cutis laxa, X-linked; Menkes kinky-hair syndrome. Last evaluated: 2025-04-08. Review status: criteria provided, single submitter. Criteria: Invitae Variant Classification Sherloc (09022015). Collection method: clinical testing. Allele origin: germline.
Comment: This sequence change replaces arginine, which is basic and polar, with serine, which is neutral and polar, at codon 315 of the ATP7A protein (p.Arg315Ser). This variant is not present in population databases (gnomAD no frequency). This variant has not been reported in the literature in individuals affected with ATP7A-related conditions. ClinVar contains an entry for this variant (Variation ID: 1406218). Invitae Evidence Modeling of protein sequence and biophysical properties (such as structural, functional, and spatial information, amino acid conservation, physicochemical variation, residue mobility, and thermodynamic stability) indicates that this missense variant is not expected to disrupt ATP7A protein function with a negative predictive value of 95%. In summary, the available evidence is currently insufficient to determine the role of this variant in disease. Therefore, it has been classified as a Variant of Uncertain Significance.